The following is an entry in ClinVar:

NM_024818.6(UBA5):c.890T>C (p.Met297Thr)

Genes: NPHP3-ACAD11 (NPHP3-ACAD11 readthrough (NMD candidate); minus strand), UBA5 (ubiquitin like modifier activating enzyme 5; plus strand). Cytogenetic location: 3q22.1.
Variant type: single nucleotide variant.
Coding change: c.890T>C on transcript NM_024818.6 (MANE Select); coding-DNA position 890, T replaced by C.
Protein change: p.Met297Thr; replaces methionine 297 with threonine.
Molecular consequence: missense variant.
Genome position (GRCh38, 1-based): chr3:132,675,325, T>C. VCF-style: chr3-132675325-T-C. GRCh37 (hg19) VCF-style: chr3-132394169-T-C.
Other names: c.722T>C, p.Met241Thr (NM_001320210.2, NM_198329.4); c.620T>C, p.Met207Thr (NM_001321238.2); c.554T>C, p.Met185Thr (NM_001321239.1); short protein forms M207T, M297T, M185T, M241T.
Identifiers: ClinVar variation 1476897 (VCV001476897.8), dbSNP rs1938790519, ClinGen allele CA354576252.
Genomic context (GRCh38, chr3:132,675,325, plus strand): 5'-GTACTGTTAGTTTTTACCTTGGATACAATGCAATGCAGGATTTTTTTCCTACTATGTCCA[T>C]GAAGCCAAATCCTCAGTGTGATGACAGAAATTGCAGGAAGCAGCAGGAGGAATATAAGGT-3'
Protein context (NP_079094.1, residues 287-307): AMQDFFPTMS[Met297Thr]KPNPQCDDRN

ClinVar aggregate classification (germline): Uncertain significance (1 of 4 stars; one submission).

Allele frequency attached by ClinVar (database versions not stated): gnomAD exomes below 0.00001; TOPMed below 0.00001; gnomAD 0.00001.
gnomAD v4.1: 2 of 1,613,648 alleles (0.00012%); highest among the groups gnomAD compares: Non-Finnish European, 0.00017%; no homozygotes.

Submission:

Labcorp Genetics (formerly Invitae), Labcorp
Classification: Uncertain significance. Last evaluated: 2021-07-21. Review status: criteria provided, single submitter. Criteria: Invitae Variant Classification Sherloc (09022015). Collection method: clinical testing. Allele origin: germline.
Comment: This sequence change replaces methionine with threonine at codon 297 of the UBA5 protein (p.Met297Thr). The methionine residue is moderately conserved and there is a moderate physicochemical difference between methionine and threonine. This variant is not present in population databases (ExAC no frequency). This variant has not been reported in the literature in individuals affected with UBA5-related conditions. Algorithms developed to predict the effect of missense changes on protein structure and function are either unavailable or do not agree on the potential impact of this missense change (SIFT: "Not Available"; PolyPhen-2: "Benign"; Align-GVGD: "Not Available"). In summary, the available evidence is currently insufficient to determine the role of this variant in disease. Therefore, it has been classified as a Variant of Uncertain Significance.